The following is an entry in ClinVar:

NM_173630.4(RTTN):c.5060C>G (p.Ser1687Cys)

Gene: RTTN (rotatin; minus strand). Cytogenetic location: 18q22.2.
Variant type: single nucleotide variant.
Coding change: c.5060C>G on transcript NM_173630.4 (MANE Select); coding-DNA position 5060, C replaced by G.
Protein change: p.Ser1687Cys; replaces serine 1687 with cysteine.
Molecular consequence: missense variant.
Genome position (GRCh38, 1-based): chr18:70,054,256, G>C on the plus strand (C>G on the coding strand, the complement: RTTN is on the minus strand). VCF-style: chr18-70054256-G-C. GRCh37 (hg19) VCF-style: chr18-67721492-G-C.
Other names: c.2324C>G, p.Ser775Cys (NM_001318520.2); short protein forms S1687C, S775C.
Identifiers: ClinVar variation 130186 (VCV000130186.14), dbSNP rs34717557, ClinGen allele CA155015.
Genomic context (GRCh38, chr18:70,054,256, plus strand): 5'-TCATCCTGAATCACAAGGTCAGGCTCCACCAATAAACATGACTGCAGAAGCCTGGACAAA[G>C]AGGATAGGTATTCCAGGAGAAAGGAAACCTGTTTGAAAAGGAGACAGGGTCAAATCAAAC-3'
Protein context (NP_775901.3, residues 1677-1697): QVSFLLEYLS[Ser1687Cys]LSRLLQSCLL

ClinVar aggregate classification (germline): Benign. Review status: criteria provided, multiple submitters, no conflicts (2 of 4 stars). 4 submissions from 4 submitters: Benign (3). 1 of the submissions does not count toward it. Last evaluated 2026-01-26.

Allele frequency attached by ClinVar (database versions not stated): TOPMed 0.00960; 1000 Genomes Project 30x 0.01046; 1000 Genomes Project 0.01138; gnomAD 0.01180 and 0.01247; ESP Exome Variant Server 0.01232; gnomAD exomes 0.01561 and 0.01711; ExAC 0.01777.
gnomAD v4.1: 26,738 of 1,613,372 alleles (1.7%); highest among the groups gnomAD compares: South Asian, 3.9%; 325 homozygotes.

Submissions (4):

Labcorp Genetics (formerly Invitae), Labcorp
Classification: Benign. Last evaluated: 2026-01-26. Review status: criteria provided, single submitter. Criteria: Invitae Variant Classification Sherloc (09022015). Collection method: clinical testing. Allele origin: germline.

GeneDx
Classification: Benign. Last evaluated: 2016-12-08. Review status: criteria provided, single submitter. Criteria: GeneDx Variant Classification (06012015). Collection method: clinical testing. Allele origin: germline. Affected: yes.
Comment: This variant is considered likely benign or benign based on one or more of the following criteria: it is a conservative change, it occurs at a poorly conserved position in the protein, it is predicted to be benign by multiple in silico algorithms, and/or has population frequency not consistent with disease.

Breakthrough Genomics
Classification: Benign. Review status: criteria provided, single submitter. Criteria: ACMG Guidelines, 2015. Collection method: not provided. Allele origin: germline. Inheritance: Autosomal recessive inheritance. Affected: yes.

Genetic Services Laboratory, University of Chicago
Classification: Likely benign for AllHighlyPenetrant. Review status: no assertion criteria provided. Collection method: clinical testing. Allele origin: germline. Inheritance: Autosomal recessive inheritance. Not counted in ClinVar's aggregate classification.
Comment: Likely benign based on allele frequency in 1000 Genomes Project or ESP global frequency and its presence in a patient with a rare or unrelated disease phenotype. NOT Sanger confirmed.